The following is an entry in ClinVar:

ClinVar aggregate classification (germline): Benign/Likely benign. Review status: criteria provided, multiple submitters, no conflicts (2 of 4 stars). 3 submissions from 3 submitters: Benign (1); Likely benign (1). 1 of the submissions does not count toward it. Last evaluated 2024-11-06.

Conditions:
ADCY5-related disorder. Also called: ADCY5-related condition.

Allele frequency attached by ClinVar (database versions not stated): gnomAD 0.00005 and 0.00013; TOPMed 0.00005; gnomAD exomes 0.00019 and 0.00034; ExAC 0.00039; 1000 Genomes Project 0.00040; 1000 Genomes Project 30x 0.00062.

Submissions (3):

Blueprint Genetics
Classification: Likely benign. Last evaluated: 2024-11-06. Review status: criteria provided, single submitter. Criteria: ACMG Guidelines, 2015. Collection method: clinical testing. Allele origin: germline.

Labcorp Genetics (formerly Invitae), Labcorp
Classification: Benign. Last evaluated: 2024-01-24. Review status: criteria provided, single submitter. Criteria: Invitae Variant Classification Sherloc (09022015). Collection method: clinical testing. Allele origin: germline.

PreventionGenetics, part of Exact Sciences
Classification: Likely benign for ADCY5-related condition. Last evaluated: 2019-10-28. Review status: no assertion criteria provided. Collection method: clinical testing. Allele origin: germline. Not counted in ClinVar's aggregate classification.
Comment: This variant is classified as likely benign based on ACMG/AMP sequence variant interpretation guidelines (Richards et al. 2015 PMID: 25741868, with internal and published modifications).

NM_183357.3(ADCY5):c.2631C>T (p.Asn877=)

Gene: ADCY5 (adenylate cyclase 5; minus strand). Cytogenetic location: 3q21.1.
Variant type: single nucleotide variant.
Coding change: c.2631C>T on transcript NM_183357.3 (MANE Select); coding-DNA position 2631, C replaced by T.
Protein change: p.Asn877=; no amino-acid change (asparagine 877 retained).
Molecular consequence: synonymous variant.
Genome position (GRCh38, 1-based): chr3:123,303,148, G>A on the plus strand (C>T on the coding strand, the complement: ADCY5 is on the minus strand). VCF-style: chr3-123303148-G-A. GRCh37 (hg19) VCF-style: chr3-123021995-G-A.
Other names: c.1581C>T, p.Asn527= (NM_001199642.1); c.2631C>T, p.Asn877= (NM_001378259.1).
Identifiers: ClinVar variation 727957 (VCV000727957.12), dbSNP rs527622809, ClinGen allele CA2577045.